The following is an entry in ClinVar:

NM_000038.6(APC):c.5878C>A (p.Pro1960Thr)

Gene: APC (APC regulator of Wnt signaling pathway; plus strand). Cytogenetic location: 5q22.2.
Variant type: single nucleotide variant.
Coding change: c.5878C>A on transcript NM_000038.6 (MANE Select); coding-DNA position 5878, C replaced by A.
Protein change: p.Pro1960Thr; replaces proline 1960 with threonine.
Molecular consequence: missense variant.
Genome position (GRCh38, 1-based): chr5:112,841,472, C>A. VCF-style: chr5-112841472-C-A. GRCh37 (hg19) VCF-style: chr5-112177169-C-A.
Other names: c.5878C>A, p.Pro1960Thr (NM_001127510.3, NM_001354895.2); c.5824C>A, p.Pro1942Thr (NM_001127511.3); c.5932C>A, p.Pro1978Thr (NM_001354896.2); c.5908C>A, p.Pro1970Thr (NM_001354897.2); c.5803C>A, p.Pro1935Thr (NM_001354898.2); c.5794C>A, p.Pro1932Thr (NM_001354899.2); c.5755C>A, p.Pro1919Thr (NM_001354900.2); c.5701C>A, p.Pro1901Thr (NM_001354901.2); and 5 more; short protein forms P1677T, P1834T, P1859T, P1869T, P1935T, P1800T, P1901T, P1932T.
Identifiers: ClinVar variation 1443359 (VCV001443359.6), dbSNP rs538199237, ClinGen allele CA16034192.

ClinVar aggregate classification (germline): Uncertain significance (1 of 4 stars; one submission).

Conditions:
Familial adenomatous polyposis 1 (FAP1). Also called: FAMILIAL ADENOMATOUS POLYPOSIS 1, ATTENUATED; POLYPOSIS, ADENOMATOUS INTESTINAL. Identifiers: MedGen C2713442, MONDO:0021056, OMIM 175100. Disease mechanism: loss of function.

Submission:

Labcorp Genetics (formerly Invitae), Labcorp
Classification: Uncertain significance for Familial adenomatous polyposis 1. Last evaluated: 2021-08-25. Review status: criteria provided, single submitter. Criteria: Invitae Variant Classification Sherloc (09022015). Collection method: clinical testing. Allele origin: germline.
Comment: This sequence change replaces proline with threonine at codon 1960 of the APC protein (p.Pro1960Thr). The proline residue is highly conserved and there is a small physicochemical difference between proline and threonine. This variant is not present in population databases (ExAC no frequency). This variant has not been reported in the literature in individuals affected with APC-related conditions. Algorithms developed to predict the effect of missense changes on protein structure and function are either unavailable or do not agree on the potential impact of this missense change (SIFT: "Tolerated"; PolyPhen-2: "Probably Damaging"; Align-GVGD: "Class C0"). In summary, the available evidence is currently insufficient to determine the role of this variant in disease. Therefore, it has been classified as a Variant of Uncertain Significance.